The following is an entry in ClinVar:

NM_007175.8(ERLIN2):c.1001C>T (p.Thr334Met)

Gene: ERLIN2 (ER lipid raft associated 2; plus strand). Cytogenetic location: 8p11.23.
Variant type: single nucleotide variant.
Coding change: c.1001C>T on transcript NM_007175.8 (MANE Select); coding-DNA position 1001, C replaced by T.
Protein change: p.Thr334Met; replaces threonine 334 with methionine.
Molecular consequence: missense variant.
Genome position (GRCh38, 1-based): chr8:37,754,096, C>T. VCF-style: chr8-37754096-C-T. GRCh37 (hg19) VCF-style: chr8-37611614-C-T.
Other names: c.1001C>T, p.Thr334Met (NM_001362878.2); short protein forms T334M.
Identifiers: ClinVar variation 3635934 (VCV003635934.2).

ClinVar aggregate classification (germline): Uncertain significance (1 of 4 stars; one submission).

Conditions:
Spastic paraplegia. Identifiers: MedGen C0037772, HP:0001258.

Submission:

Labcorp Genetics (formerly Invitae), Labcorp
Classification: Uncertain significance for Spastic paraplegia. Last evaluated: 2026-02-03. Review status: criteria provided, single submitter. Criteria: Invitae Variant Classification Sherloc (09022015). Collection method: clinical testing. Allele origin: germline.
Comment: This sequence change replaces threonine, which is neutral and polar, with methionine, which is neutral and non-polar, at codon 334 of the ERLIN2 protein (p.Thr334Met). This variant is present in population databases (rs199728145, gnomAD 0.04%). This variant has not been reported in the literature in individuals affected with ERLIN2-related conditions. ClinVar contains an entry for this variant (Variation ID: 3635934). An algorithm developed to predict the effect of missense changes on protein structure and function (PolyPhen-2) suggests that this variant is likely to be tolerated. In summary, the available evidence is currently insufficient to determine the role of this variant in disease. Therefore, it has been classified as a Variant of Uncertain Significance.